The following is an entry in ClinVar:

NM_145059.3(FCSK):c.1389C>T (p.Phe463=)

Gene: FCSK (fucose kinase; plus strand). Cytogenetic location: 16q22.1.
Variant type: single nucleotide variant.
Coding change: c.1389C>T on transcript NM_145059.3 (MANE Select); coding-DNA position 1389, C replaced by T.
Protein change: p.Phe463=; no amino-acid change (phenylalanine 463 retained).
Molecular consequence: synonymous variant.
Genome position (GRCh38, 1-based): chr16:70,472,588, C>T. VCF-style: chr16-70472588-C-T. GRCh37 (hg19) VCF-style: chr16-70506491-C-T.
Identifiers: ClinVar variation 3052893 (VCV003052893.2), dbSNP rs2507434683, ClinGen allele CA496225078.

ClinVar aggregate classification (germline): Likely benign (0 of 4 stars; one submission).

Conditions:
FCSK-related disorder. Also called: FCSK-related condition.

gnomAD v4.1: 1 of 1,613,190 alleles (0.000062%); highest among the groups gnomAD compares: Non-Finnish European, 0.000085%; no homozygotes.

Submission:

PreventionGenetics, part of Exact Sciences
Classification: Likely benign for FCSK-related condition. Last evaluated: 2023-06-27. Review status: no assertion criteria provided. Collection method: clinical testing. Allele origin: germline.
Comment: This variant is classified as likely benign based on ACMG/AMP sequence variant interpretation guidelines (Richards et al. 2015 PMID: 25741868, with internal and published modifications).